The following is an entry in ClinVar:

NM_206937.2(LIG4):c.621del (p.His208fs)

Gene: LIG4 (DNA ligase 4; minus strand). Cytogenetic location: 13q33.3.
Variant type: Deletion.
Coding change: c.621del on transcript NM_206937.2 (MANE Select); coding-DNA position 621, one base deleted (T; older notation c.621delT).
Protein change: p.His208fs; shifts the reading frame from histidine 208.
Molecular consequence: frameshift variant.
Genome position (GRCh38, 1-based): chr13:108,210,648, A deleted on the plus strand (T on the coding strand, the reverse complement: LIG4 is on the minus strand); the first of 5 consecutive A bases (chr13:108,210,648-108,210,652); deleting any one gives the same sequence. VCF-style (leftmost placement, unchanged base first): chr13-108210647-GA-G. GRCh37 (hg19) VCF-style: chr13-108862995-GA-G.
Other names: c.621del, p.His208fs (NM_001098268.2, NM_001352598.2, NM_001352599.2 and 6 more transcripts); c.420del, p.His141fs (NM_001330595.2); c.657del, p.His220fs (NM_001352604.2); short protein forms H220fs, H208fs, H141fs.
Identifiers: ClinVar variation 4734034 (VCV004734034.1).
Genomic context (GRCh38, chr13:108,210,647, plus strand): 5'-GTTGCCTACAGACTTTTTCCAGATCTGTAGTGACATTATGCAACTCAGCAGCATCATTAT[GA>G]AAAACAGAAAAGATAGTTTGCTGACTAACACCAAGCTTTAAATCCTTTATGATCATCCGT-3'

ClinVar aggregate classification (germline): Pathogenic (1 of 4 stars; one submission).

Conditions:
DNA ligase IV deficiency. Identifiers: Orphanet 99812, MedGen C1847827, MONDO:0011686, OMIM 606593.

Submission:

Labcorp Genetics (formerly Invitae), Labcorp
Classification: Pathogenic for DNA ligase IV deficiency. Last evaluated: 2025-12-31. Review status: criteria provided, single submitter. Criteria: Invitae Variant Classification Sherloc (09022015). Collection method: clinical testing. Allele origin: germline.
Comment: This sequence change creates a premature translational stop signal (p.His208Ilefs*26) in the LIG4 gene. While this is not anticipated to result in nonsense mediated decay, it is expected to disrupt the last 704 amino acid(s) of the LIG4 protein. This variant is not present in population databases (gnomAD no frequency). This variant has not been reported in the literature in individuals affected with LIG4-related conditions. This variant disrupts a region of the LIG4 protein in which other variant(s) (p.Gln904*) have been determined to be pathogenic (PMID: 34630384). This suggests that this is a clinically significant region of the protein, and that variants that disrupt it are likely to be disease-causing. For these reasons, this variant has been classified as Pathogenic.

Literature cited by the submitters: PubMed 34630384.